The following continues an entry in ClinVar:

NM_000051.4(ATM):c.2572T>C (p.Phe858Leu)

Gene: ATM. ClinVar aggregate classification (germline): Benign/Likely benign. Benign (19); Likely benign (5).

Submissions 20 to 34 of 34:

Genome Diagnostics Laboratory, University Medical Center Utrecht
Classification: Likely benign for Ataxia-telangiectasia syndrome. Last evaluated: 2014-10-09. Review status: criteria provided, single submitter. Criteria: ACGS Guidelines, 2013. Collection method: clinical testing. Allele origin: germline. Affected: yes. Study: VKGL Data-share Consensus.

Ambry Genetics
Classification: Benign for Hereditary cancer-predisposing syndrome. Last evaluated: 2014-07-14. Review status: criteria provided, single submitter. Criteria: Ambry Variant Classification Scheme 2023. Collection method: clinical testing. Allele origin: germline.

GeneDx
Classification: Benign. Last evaluated: 2013-09-11. Review status: criteria provided, single submitter. Criteria: GeneDx Variant Classification (06012015). Collection method: clinical testing. Allele origin: germline. Affected: yes.
Comment: This variant is considered likely benign or benign based on one or more of the following criteria: it is a conservative change, it occurs at a poorly conserved position in the protein, it is predicted to be benign by multiple in silico algorithms, and/or has population frequency not consistent with disease.

Breakthrough Genomics
Classification: Likely benign. Review status: criteria provided, single submitter. Criteria: ACMG Guidelines, 2015. Collection method: not provided. Allele origin: germline. Inheritance: Autosomal recessive inheritance. Affected: yes.

PreventionGenetics, part of Exact Sciences
Classification: Benign. Review status: criteria provided, single submitter. Criteria: ACMG Guidelines, 2015. Collection method: clinical testing. Allele origin: germline.

Natera, Inc.
Classification: Benign for Ataxia-telangiectasia. Last evaluated: 2020-09-16. Review status: no assertion criteria provided. Collection method: clinical testing. Allele origin: germline. Not counted in ClinVar's aggregate classification.

True Health Diagnostics
Classification: Benign for Hereditary cancer-predisposing syndrome. Last evaluated: 2018-08-03. Review status: no assertion criteria provided. Collection method: clinical testing. Allele origin: germline. Not counted in ClinVar's aggregate classification.

Counsyl
Classification: Likely benign for Ataxia-telangiectasia syndrome. Last evaluated: 2017-03-31. Review status: no assertion criteria provided. Collection method: clinical testing. Allele origin: unknown. Not counted in ClinVar's aggregate classification.

Genome Diagnostics Laboratory, Amsterdam University Medical Center
Classification: Benign for Ataxia-telangiectasia syndrome. Last evaluated: 2015-05-04. Review status: no assertion criteria provided. Criteria: ACGS Guidelines, 2013. Collection method: clinical testing. Allele origin: germline. Affected: yes. Study: VKGL Data-share Consensus. Not counted in ClinVar's aggregate classification.

ITMI
No classification provided. Condition: AllHighlyPenetrant. Last evaluated: 2013-09-19. Review status: no classification provided. Collection method: reference population. Allele origin: germline. Not counted in ClinVar's aggregate classification.
Comment: Please see associated publication for description of ethnicities

Clinical Genetics Laboratory, Department of Pathology, Netherlands Cancer Institute
Classification: Benign. Review status: no assertion criteria provided. Collection method: clinical testing. Allele origin: germline. Affected: yes. Study: VKGL Data-share Consensus. Not counted in ClinVar's aggregate classification.

Clinical Genetics, Academic Medical Center
Classification: Benign. Review status: no assertion criteria provided. Collection method: clinical testing. Allele origin: germline. Affected: yes. Study: VKGL Data-share Consensus. Not counted in ClinVar's aggregate classification.

Department of Pathology and Laboratory Medicine, Sinai Health System
Classification: Likely benign for Carcinoma of colon. Review status: no assertion criteria provided. Collection method: clinical testing. Allele origin: unknown. Affected: yes. Observed: 38 variant alleles. Study: The Canadian Open Genetics Repository (COGR). Not counted in ClinVar's aggregate classification.
Comment: The ATM p.Phe858Leu variant was identified in 190 of 15454 proband chromosomes (frequency: 0.01) from individuals or families with breast, colon cancer and chronic lymphocytic leukemia, and was present in 672 of 18488 control chromosomes (frequency: 0.036) from healthy individuals (Johnson 2007, Petereit 2013, Renwick 2006, Rudd 2017, Stredrick 2006, Tapia 2008, Webb 2006). The variant was also identified in the following databases dbSNP (ID: rs1800056) as â€šÃ„ÃºWith Uncertain significance allele â€šÃ„Ã¹, ClinVar (classified as benign by GeneDx, Ambry Genetics, Emory Genetics, Vantari Genetics, Color Genomics, Prevention Genetics, Invitae; classified as uncertain significance by Praxis), Clinvitae (classified as benign by ClinVar), Cosmic, MutDB (classified as polymorphism), LOVD 3.0 (not classified), ATM-LOVD (unknown). ATM-LOVD also reports that there are known homozygous individuals who are unaffected. The variant was identified in control databases in 2373 of 277178 chromosomes (22 homozygous) at a frequency of 0.009 increasing the likelihood this could be a low frequency benign variant (Genome Aggregation Consortium Feb 27, 2017). The variant was identified in the following populations at a frequency greater than 1%: European (Non-Finnish) in 1805 of 126686 chromosomes (freq: 0.014), Ashkenazi Jewish in 135 of 10150 chromosomes (freq: 0.013), Other in 70 of 6466 chromosomes (freq: 0.011). The p.Phe858 residue is not conserved in mammals and four out of five computational analyses (PolyPhen-2, SIFT, AlignGVGD, BLOSUM, MutationTaster) do not suggest a high likelihood of impact to the protein; however, this information is not predictive enough to rule out pathogenicity. The variant occurs outside of the splicing consensus sequence and in silico or computational prediction software programs (SpliceSiteFinder, MaxEntScan, NNSPLICE, GeneSplicer, HumanSpliceFinder) do not predict a difference in splicing. There is conflicting information in the literature about the association of the p.Phe858Leu variant with an increased risk of cancer. The study by Fletcher (2010) suggests the variant associated with a small increased risk of breast cancer, explaining an estimated 0.03% of the excess familial risk of breast cancer. The study by Stredrick (2006) suggests the variant is associated with a significant increased risk for breast cancer in the U.S. Heterozygote frequencies for p.Phe858Leu were slightly higher in subjects with a first degree relative with breast cancer compared to those with a negative family history. The variant was found in strong linkage disequilibrium associated with increased risk of chronic lymphocytic leukemia (Rudd 2017). Cell lines from breast cancer patients harboring the linked heterozygous p.Phe858Leu variants exhibited increased radiosensitivity (GutiâˆšÂ©rrez-Enrâˆšâ‰ quez 2004). The variant is also showing a significant association with risk of colon cancer and predicted to be deleterious by Webb (2006). The minor alleles of ATM p.Phe858Leu were significantly over-represented in cases, compared with controls. At the same time Tapia (2008) suggests this variant is not associated with breast cancer in his group of study showing higher frequencies in the control group than in cases. In summary, based on the above information, the clinical significance of this variant cannot be determined with certainty at this time although we would lean towards a more benign role for this variant. This variant is classified as likely benign.

Joint Genome Diagnostic Labs from Nijmegen and Maastricht, Radboudumc and MUMC+
Classification: Benign. Review status: no assertion criteria provided. Collection method: clinical testing. Allele origin: germline. Affected: yes. Study: VKGL Data-share Consensus. Not counted in ClinVar's aggregate classification.

Laboratory of Diagnostic Genome Analysis, Leiden University Medical Center (LUMC)
Classification: Benign. Review status: no assertion criteria provided. Collection method: clinical testing. Allele origin: germline. Affected: yes. Study: VKGL Data-share Consensus. Not counted in ClinVar's aggregate classification.

Literature cited by the submitters: PubMed 10425038 (cited by Athena Diagnostics and Quest Diagnostics Nichols Institute San Juan Capistrano); PubMed 14754616 (cited by Athena Diagnostics and Quest Diagnostics Nichols Institute San Juan Capistrano); PubMed 15101044 (cited by 5 submitters); PubMed 16574953 (cited by 3 submitters); PubMed 16652348 (cited by Athena Diagnostics and Quest Diagnostics Nichols Institute San Juan Capistrano); PubMed 17000706 (cited by Athena Diagnostics and Quest Diagnostics Nichols Institute San Juan Capistrano); PubMed 17341484 (cited by 3 submitters); PubMed 17351744 (cited by Athena Diagnostics and Quest Diagnostics Nichols Institute San Juan Capistrano); PubMed 17502119 (cited by Athena Diagnostics and Quest Diagnostics Nichols Institute San Juan Capistrano); PubMed 20826828 (cited by 3 submitters); PubMed 27224988 (cited by Athena Diagnostics and Quest Diagnostics Nichols Institute San Juan Capistrano); PubMed 27365426 (cited by Athena Diagnostics and Quest Diagnostics Nichols Institute San Juan Capistrano); PubMed 27146902 (cited by Athena Diagnostics and Quest Diagnostics Nichols Institute San Juan Capistrano); PubMed 33191115 (cited by Athena Diagnostics and Quest Diagnostics Nichols Institute San Juan Capistrano); PubMed 24728327 (cited by 4 submitters); PubMed 23585524 (cited by 3 submitters); PubMed 22529920 (cited by Athena Diagnostics and Quest Diagnostics Nichols Institute San Juan Capistrano); PubMed 25085752 (cited by Myriad Genetics, Inc.); PubMed 37091313 (cited by Practice for Gait Abnormalities, David Pomarino, Competency Network Toe Walking C/o Practice Pomarino); PubMed 15280931 (cited by Counsyl); PubMed 21833744 (cited by Counsyl); PubMed 9792409 (cited by Counsyl).